The following is an entry in ClinVar:

ClinVar aggregate classification (germline): Uncertain significance (1 of 4 stars; one submission).

Conditions:
Familial sleep-related hypermotor epilepsy. Also called: Autosomal Dominant Sleep-Related Hypermotor (Hyperkinetic) Epilepsy. Identifiers: Orphanet 98784, MedGen C3696898, MONDO:0000030.

Allele frequency attached by ClinVar (database versions not stated): gnomAD exomes below 0.00001.
gnomAD v4.1: 2 of 1,541,338 alleles (0.00013%); highest among the groups gnomAD compares: African/African-American, 0.0027%; no homozygotes.

Submission:

Labcorp Genetics (formerly Invitae), Labcorp
Classification: Uncertain significance for Familial sleep-related hypermotor epilepsy. Last evaluated: 2021-09-01. Review status: criteria provided, single submitter. Criteria: Invitae Variant Classification Sherloc (09022015). Collection method: clinical testing. Allele origin: germline.
Comment: This sequence change replaces glutamine with glutamic acid at codon 31 of the PRIMA1 protein (p.Gln31Glu). The glutamine residue is highly conserved and there is a small physicochemical difference between glutamine and glutamic acid. The frequency data for this variant in the population databases is considered unreliable, as metrics indicate insufficient coverage at this position in the ExAC database. This variant has not been reported in the literature in individuals affected with PRIMA1-related conditions. ClinVar contains an entry for this variant (Variation ID: 476374). Algorithms developed to predict the effect of missense changes on protein structure and function are either unavailable or do not agree on the potential impact of this missense change (SIFT: "Deleterious"; PolyPhen-2: "Possibly Damaging"; Align-GVGD: "Class C0"). In summary, the available evidence is currently insufficient to determine the role of this variant in disease. Therefore, it has been classified as a Variant of Uncertain Significance.

NM_178013.4(PRIMA1):c.91C>G (p.Gln31Glu)

Gene: PRIMA1 (proline rich membrane anchor 1; minus strand). Cytogenetic location: 14q32.12.
Variant type: single nucleotide variant.
Coding change: c.91C>G on transcript NM_178013.4 (MANE Select); coding-DNA position 91, C replaced by G.
Protein change: p.Gln31Glu; replaces glutamine 31 with glutamic acid.
Molecular consequence: missense variant.
Genome position (GRCh38, 1-based): chr14:93,787,628, G>C on the plus strand (C>G on the coding strand, the complement: PRIMA1 is on the minus strand). VCF-style: chr14-93787628-G-C. GRCh37 (hg19) VCF-style: chr14-94253974-G-C.
Other names: short protein forms Q31E.
Identifiers: ClinVar variation 476374 (VCV000476374.8), dbSNP rs1449284468, ClinGen allele CA391146898.
Genomic context (GRCh38, chr14:93,787,628, plus strand): 5'-ACAGCTCGCCCCTTACCCAGGAGGCCCTCCCAGCCAGTGCGCAGCCGGCGCGTCTCACCT[G>C]CACGAAGCCCCAGAGCGGGTGGAGCGCGCAGTGCAGCAGCAGCGAGGACCAGCAGCAGCC-3'
Protein context (NP_821092.1, residues 21-41): CALHPLWGFV[Gln31Glu]VTHGEPQKSC